The following is an entry in ClinVar:

NM_000038.6(APC):c.506T>C (p.Ile169Thr)

Gene: APC (APC regulator of Wnt signaling pathway; plus strand). Cytogenetic location: 5q22.2.
Variant type: single nucleotide variant.
Coding change: c.506T>C on transcript NM_000038.6 (MANE Select); coding-DNA position 506, T replaced by C.
Protein change: p.Ile169Thr; replaces isoleucine 169 with threonine.
Molecular consequence: missense variant. On other transcripts: 5 prime UTR variant (1).
Genome position (GRCh38, 1-based): chr5:112,775,712, T>C. VCF-style: chr5-112775712-T-C. GRCh37 (hg19) VCF-style: chr5-112111409-T-C.
Other names: c.506T>C, p.Ile169Thr (NM_001127510.3, NM_001354895.2, NM_001354896.2 and 2 more transcripts); c.536T>C, p.Ile179Thr (NM_001127511.3, NM_001354897.2, NM_001354902.2); c.431T>C, p.Ile144Thr (NM_001354898.2, NM_001354904.2); c.329T>C, p.Ile110Thr (NM_001354900.2, NM_001354901.2, NM_001354905.2); c.-530T>C (NM_001354906.2); short protein forms I144T, I179T, I110T, I169T.
Identifiers: ClinVar variation 933209 (VCV000933209.13), dbSNP rs1757567981, ClinGen allele CA16022431.

ClinVar aggregate classification (germline): Uncertain significance. Review status: criteria provided, multiple submitters, no conflicts (2 of 4 stars). 4 submissions from 4 submitters: Uncertain significance (4). Last evaluated 2025-02-18.

Conditions:
Familial adenomatous polyposis 1 (FAP1). Also called: POLYPOSIS, ADENOMATOUS INTESTINAL; FAMILIAL ADENOMATOUS POLYPOSIS 1, ATTENUATED. Identifiers: MedGen C2713442, MONDO:0021056, OMIM 175100. Disease mechanism: loss of function.
Hereditary cancer-predisposing syndrome. Also called: Neoplastic Syndromes, Hereditary; Hereditary Cancer Syndrome; Hereditary neoplastic syndrome; Tumor predisposition. Identifiers: Orphanet 140162, MedGen C0027672, MeSH D009386, MONDO:0015356.

Submissions (4):

Ambry Genetics
Classification: Uncertain significance for Hereditary cancer-predisposing syndrome. Last evaluated: 2025-02-18. Review status: criteria provided, single submitter. Criteria: Ambry Variant Classification Scheme 2023. Collection method: clinical testing. Allele origin: germline.
Comment: The p.I169T variant (also known as c.506T>C), located in coding exon 4 of the APC gene, results from a T to C substitution at nucleotide position 506. The isoleucine at codon 169 is replaced by threonine, an amino acid with similar properties. This amino acid position is highly conserved in available vertebrate species. In addition, in silico predictors for this gene do not accurately predict pathogenicity. Missense alterations in APC are not a common cause of disease (Spier I et al. Genet Med. 2024 Feb;26(2):100992). Based on the available evidence, the clinical significance of this variant remains unclear.

Labcorp Genetics (formerly Invitae), Labcorp
Classification: Uncertain significance for Familial adenomatous polyposis 1. Last evaluated: 2023-11-04. Review status: criteria provided, single submitter. Criteria: Invitae Variant Classification Sherloc (09022015). Collection method: clinical testing. Allele origin: germline.
Comment: This sequence change replaces isoleucine, which is neutral and non-polar, with threonine, which is neutral and polar, at codon 169 of the APC protein (p.Ile169Thr). This variant is not present in population databases (gnomAD no frequency). This variant has not been reported in the literature in individuals affected with APC-related conditions. ClinVar contains an entry for this variant (Variation ID: 933209). Advanced modeling of protein sequence and biophysical properties (such as structural, functional, and spatial information, amino acid conservation, physicochemical variation, residue mobility, and thermodynamic stability) performed at Invitae indicates that this missense variant is not expected to disrupt APC protein function with a negative predictive value of 95%. In summary, the available evidence is currently insufficient to determine the role of this variant in disease. Therefore, it has been classified as a Variant of Uncertain Significance.

Baylor Genetics
Classification: Uncertain significance for Familial adenomatous polyposis 1. Last evaluated: 2023-05-05. Review status: criteria provided, single submitter. Criteria: ACMG Guidelines, 2015. Collection method: clinical testing. Allele origin: unknown.

Women's Health and Genetics/Laboratory Corporation of America, LabCorp
Classification: Uncertain significance. Last evaluated: 2020-06-15. Review status: criteria provided, single submitter. Criteria: LabCorp Variant Classification Summary - May 2015. Collection method: clinical testing. Allele origin: germline.
Comment: Variant summary: APC c.506T>C (p.Ile169Thr) results in a non-conservative amino acid change in the encoded protein sequence. Five of five in-silico tools predict a damaging effect of the variant on protein function. The variant was absent in 242340 control chromosomes (gnomAD). The available data on variant occurrences in the general population are insufficient to allow any conclusion about variant significance. To our knowledge, no occurrence of c.506T>C in individuals affected with Familial Adenomatous Polyposis and no experimental evidence demonstrating its impact on protein function have been reported. No clinical diagnostic laboratories have submitted clinical-significance assessments for this variant to ClinVar after 2014. Based on the evidence outlined above, the variant was classified as uncertain significance.